The following is an entry in ClinVar:

NM_000170.3(GLDC):c.*229C>G

Gene: GLDC (glycine decarboxylase; minus strand). Cytogenetic location: 9p24.1.
Variant type: single nucleotide variant.
Coding change: c.*229C>G on transcript NM_000170.3 (MANE Select); 229 bases downstream of the stop codon, C replaced by G.
Molecular consequence: 3 prime UTR variant.
Genome position (GRCh38, 1-based): chr9:6,532,788, G>C on the plus strand (C>G on the coding strand, the complement: GLDC is on the minus strand). VCF-style: chr9-6532788-G-C. GRCh37 (hg19) VCF-style: chr9-6532788-G-C.
Identifiers: ClinVar variation 912562 (VCV000912562.4), dbSNP rs184498089, ClinGen allele CA188643172.

ClinVar aggregate classification (germline): Likely benign (1 of 4 stars; one submission).

Conditions:
Glycine encephalopathy. Also called: Non-ketotic hyperglycinemia; Nonketotic hyperglycinemia. Identifiers: Orphanet 407, MedGen C0751748, MONDO:0011612, HP:0008288.

Allele frequency attached by ClinVar (database versions not stated): 1000 Genomes Project 0.00060; 1000 Genomes Project 30x 0.00062; TOPMed 0.00123; gnomAD 0.00135.
gnomAD v4.1: 248 of 537,510 alleles (0.046%); highest among the groups gnomAD compares: African/African-American, 0.41%; 2 homozygotes.

Submission:

Illumina Laboratory Services, Illumina
Classification: Likely benign for Glycine encephalopathy 1. Last evaluated: 2018-01-13. Review status: criteria provided, single submitter. Criteria: ICSL Variant Classification Criteria 13 December 2019. Collection method: clinical testing. Allele origin: germline.
Comment: This variant was observed in the ICSL laboratory as part of a predisposition screen in an ostensibly healthy population. It had not been previously curated by ICSL or reported in the Human Gene Mutation Database (HGMD: prior to June 1st, 2018), and was therefore a candidate for classification through an automated scoring system. Utilizing variant allele frequency, disease prevalence and penetrance estimates, and inheritance mode, an automated score was calculated to assess if this variant is too frequent to cause the disease. Based on the score and internal cut-off values, a variant classified as likely benign is not then subjected to further curation. The score for this variant resulted in a classification of likely benign for this disease.